The following is an entry in ClinVar:

NM_016203.4(PRKAG2):c.233_234insTCC (p.Ser78_Arg79insPro)

Gene: PRKAG2 (protein kinase AMP-activated non-catalytic subunit gamma 2; minus strand). Cytogenetic location: 7q36.1.
Variant type: Insertion.
Coding change: c.233_234insTCC on transcript NM_016203.4 (MANE Select); coding-DNA positions 233 to 234, TCC inserted.
Protein change: p.Ser78_Arg79insPro.
Molecular consequence: inframe insertion. On other transcripts: inframe indel (9).
Genome position: GRCh38 VCF-style: chr7-151781384-G-GGGA. GRCh37 (hg19) VCF-style: chr7-151478470-G-GGGA.
Other names: c.101_102insTCC, p.Ser34_Arg35insPro (NM_001040633.2); c.232_233insCTC, p.Ser78_Arg79insPro (NM_001407021.1, NM_001407022.1, NM_001407023.1 and 2 more transcripts); c.100_101insCTC, p.Ser34_Arg35insPro (NM_001407024.1, NM_001407026.1, NM_001407027.1 and 1 more transcripts).
Identifiers: ClinVar variation 2151759 (VCV002151759.4), dbSNP rs1400922226, ClinGen allele CA835290563.

ClinVar aggregate classification (germline): Uncertain significance (1 of 4 stars; one submission).

Conditions:
Lethal congenital glycogen storage disease of heart. Also called: PHOSPHORYLASE KINASE DEFICIENCY OF HEART; GLYCOGEN STORAGE DISEASE OF HEART. Identifiers: Orphanet 439854, MedGen C1849813, MONDO:0009867, OMIM 261740.

Submission:

Labcorp Genetics (formerly Invitae), Labcorp
Classification: Uncertain significance for Lethal congenital glycogen storage disease of heart. Last evaluated: 2022-04-15. Review status: criteria provided, single submitter. Criteria: Invitae Variant Classification Sherloc (09022015). Collection method: clinical testing. Allele origin: germline.
Comment: In summary, the available evidence is currently insufficient to determine the role of this variant in disease. Therefore, it has been classified as a Variant of Uncertain Significance. Experimental studies and prediction algorithms are not available or were not evaluated, and the functional significance of this variant is currently unknown. This variant has not been reported in the literature in individuals affected with PRKAG2-related conditions. This variant is not present in population databases (gnomAD no frequency). This variant, c.233_234insTCC, results in the insertion of 1 amino acid(s) of the PRKAG2 protein (p.Ser78_Arg79insPro), but otherwise preserves the integrity of the reading frame.